The following is an entry in ClinVar:

ClinVar aggregate classification (germline): Likely benign. Review status: criteria provided, multiple submitters, no conflicts (2 of 4 stars). 2 submissions from 2 submitters: Likely benign (2). Last evaluated 2025-11-01.

Allele frequency attached by ClinVar (database versions not stated): ExAC 0.00001; TOPMed 0.00001; gnomAD 0.00003.
gnomAD v4.1: 5 of 1,613,610 alleles (0.00031%); highest among the groups gnomAD compares: East Asian, 0.0045%; no homozygotes.

Submissions (2):

CeGaT Center for Human Genetics Tuebingen
Classification: Likely benign. Last evaluated: 2025-11-01. Review status: criteria provided, single submitter. Criteria: CeGaT Center For Human Genetics Tuebingen Variant Classification Criteria Version 2. Collection method: clinical testing. Allele origin: germline. Affected: yes. Observed: 1 variant allele.
Comment: CHD8: BP4

Labcorp Genetics (formerly Invitae), Labcorp
Classification: Likely benign. Last evaluated: 2024-05-28. Review status: criteria provided, single submitter. Criteria: Invitae Variant Classification Sherloc (09022015). Collection method: clinical testing. Allele origin: germline.

NM_001170629.2(CHD8):c.4728-5T>C

Gene: CHD8 (chromodomain helicase DNA binding protein 8; minus strand). Cytogenetic location: 14q11.2.
Variant type: single nucleotide variant.
Coding change: c.4728-5T>C on transcript NM_001170629.2 (MANE Select); 5 bases into the intron before coding-DNA position 4728, T replaced by C.
Molecular consequence: intron variant.
Genome position (GRCh38, 1-based): chr14:21,400,075, A>G on the plus strand (T>C on the coding strand, the complement: CHD8 is on the minus strand). VCF-style: chr14-21400075-A-G. GRCh37 (hg19) VCF-style: chr14-21868234-A-G.
Other names: c.3891-5T>C (NM_020920.4).
Identifiers: ClinVar variation 2798735 (VCV002798735.9), dbSNP rs770915396, ClinGen allele CA7091153.
Genomic context (GRCh38, chr14:21,400,075, plus strand): 5'-GGTCTCCAATAACCTCCTGCCTCAGGTAGTATAGCATTCGTACCCGCAACAGTACCCTAG[A>G]AAGGACAGAGGAAGAGCTGGCTCAGTAACACTGTAGAAGTTTGAGGTGGAAAATGTCTGC-3'